The following is an entry in ClinVar:

NM_001009944.3(PKD1):c.6798C>T (p.Arg2266=)

Gene: PKD1 (polycystin 1, transient receptor potential channel interacting; minus strand). Cytogenetic location: 16p13.3.
Variant type: single nucleotide variant.
Coding change: c.6798C>T on transcript NM_001009944.3 (MANE Select); coding-DNA position 6798, C replaced by T.
Protein change: p.Arg2266=; no amino-acid change (arginine 2266 retained).
Molecular consequence: synonymous variant.
Genome position (GRCh38, 1-based): chr16:2,108,369, G>A on the plus strand (C>T on the coding strand, the complement: PKD1 is on the minus strand). VCF-style: chr16-2108369-G-A. GRCh37 (hg19) VCF-style: chr16-2158370-G-A.
Other names: c.6798C>T, p.Arg2266= (NM_000296.4).
Identifiers: ClinVar variation 2446245 (VCV002446245.23), dbSNP rs139215055, ClinGen allele CA7831455.
Genomic context (GRCh38, chr16:2,108,369, plus strand): 5'-CAGGTTGGGGTCGTAGGACTCGCTCCCATCCAGCACCAGGTCCCGTGTGTCTGACCACAC[G>A]CGGTATGAGCCACCCTCAATGATGGGCACCAGGCGCTCGGGGGCCACCGTCACATTGGCC-3'
Protein context (NP_001009944.3, residues 2256-2276): LVPIIEGGSY[Arg2266=]VWSDTRDLVL

ClinVar aggregate classification (germline): Likely benign. Review status: criteria provided, multiple submitters, no conflicts (2 of 4 stars). 3 submissions from 3 submitters: Likely benign (3). Last evaluated 2024-03-01.

Allele frequency attached by ClinVar (database versions not stated): ESP Exome Variant Server 0.00046.
gnomAD v4.1: 176 of 1,610,210 alleles (0.011%); highest among the groups gnomAD compares: Non-Finnish European, 0.013%; no homozygotes.

Submissions (3):

CeGaT Center for Human Genetics Tuebingen
Classification: Likely benign. Last evaluated: 2024-03-01. Review status: criteria provided, single submitter. Criteria: CeGaT Center For Human Genetics Tuebingen Variant Classification Criteria Version 2. Collection method: clinical testing. Allele origin: germline. Affected: yes. Observed: 1 variant allele.
Comment: PKD1: BP4, BP7

Blueprint Genetics
Classification: Likely benign. Last evaluated: 2024-01-30. Review status: criteria provided, single submitter. Criteria: ACMG Guidelines, 2015. Collection method: clinical testing. Allele origin: germline.

GeneDx
Classification: Likely benign. Last evaluated: 2021-01-05. Review status: criteria provided, single submitter. Criteria: GeneDx Variant Classification Process June 2021. Collection method: clinical testing. Allele origin: germline. Affected: yes.
Comment: See Variant Classification Assertion Criteria.